The following is an entry in ClinVar:

NM_007294.4(BRCA1):c.4327C>T (p.Arg1443Ter)

Gene: BRCA1 (BRCA1 DNA repair associated; minus strand). Cytogenetic location: 17q21.31.
Variant type: single nucleotide variant.
Coding change: c.4327C>T on transcript NM_007294.4 (MANE Select); coding-DNA position 4327, C replaced by T.
Protein change: p.Arg1443Ter; replaces arginine 1443 with a stop codon.
Molecular consequence: nonsense. On other transcripts: non-coding transcript variant (1).
Genome position (GRCh38, 1-based): chr17:43,082,434, G>A on the plus strand (C>T on the coding strand, the complement: BRCA1 is on the minus strand). VCF-style: chr17-43082434-G-A. GRCh37 (hg19) VCF-style: chr17-41234451-G-A.
Other names: p.R1443X:CGA>TGA; NP_009225.1:p.Arg1443Ter; 4446C>T; c.679C>T, p.Arg227Ter (NM_001408508.1, NM_001408509.1); c.637C>T, p.Arg213Ter (NM_001408510.1); c.634C>T, p.Arg212Ter (NM_001408511.1); c.514C>T, p.Arg172Ter (NM_001408512.1); c.805C>T, p.Arg269Ter (NM_001408513.1, NM_001408489.1, NM_001408490.1 and 3 more transcripts); and 54 more; short protein forms R1443*, R340*, R1396*, R1147*, R1315*, R1316*, R1330*, R1355*.
Identifiers: ClinVar variation 17675 (VCV000017675.113), dbSNP rs41293455, ClinGen allele CA002769.

ClinVar aggregate classification (germline): Pathogenic. Review status: reviewed by expert panel (3 of 4 stars). 59 submissions from 56 submitters: Pathogenic (1). 58 of the submissions do not count toward it. Last evaluated 2016-04-22.

Conditions:
Familial cancer of breast. Also called: hereditary breast carcinoma; BREAST CANCER, FAMILIAL; Hereditary breast cancer. Identifiers: Orphanet 227535, MedGen C0346153, MONDO:0016419, OMIM 114480. Disease mechanism: loss of function.
Fanconi anemia, complementation group S (FANCS). Identifiers: MedGen C4554406, MONDO:0054748, OMIM 617883.
Breast-ovarian cancer, familial, susceptibility to, 1 (BROVCA1). Also called: OVARIAN CANCER, SUSCEPTIBILITY TO; BRCA1 Hereditary Breast and Ovarian Cancer. Identifiers: Orphanet 145, MedGen C2676676, MONDO:0011450, OMIM 604370. Disease mechanism: loss of function.
Inherited breast cancer and ovarian cancer.
BRCA1-related cancer predisposition. Identifiers: MedGen CN377757, MONDO:0700268.
BRCA1-related disorder. Also called: BRCA1-related condition.
Breast and/or ovarian cancer. Identifiers: MedGen CN221562.
Pancreatic cancer, susceptibility to, 4. Identifiers: Orphanet 1333, MedGen C3280442, MONDO:0013685, OMIM 614320.
Hereditary cancer-predisposing syndrome. Also called: Hereditary neoplastic syndrome; Hereditary Cancer Syndrome; Neoplastic Syndromes, Hereditary; Tumor predisposition. Identifiers: Orphanet 140162, MedGen C0027672, MeSH D009386, MONDO:0015356.
Hereditary breast ovarian cancer syndrome. Also called: Hereditary breast and ovarian cancer syndrome; Hereditary breast and ovarian cancer syndrome (HBOC); Breast and ovarian cancer; Hereditary breast and/or ovarian cancer syndrome; BRCA1- and BRCA2-Associated Hereditary Breast and Ovarian Cancer; Hereditary breast and ovarian cancer. Identifiers: Orphanet 145, MedGen C0677776, MeSH D061325, MONDO:0003582. Disease mechanism: loss of function.
Malignant tumor of breast. Also called: Malignant breast neoplasm; Cancer breast. Identifiers: MedGen C0006142, MONDO:0007254. Disease mechanism: loss of function.

Allele frequency attached by ClinVar (database versions not stated): TOPMed 0.00002.
gnomAD v4.1: 20 of 1,613,954 alleles (0.0012%); highest among the groups gnomAD compares: Admixed American, 0.005%; no homozygotes.

Submissions 1 to 10 of 59:

Evidence-based Network for the Interpretation of Germline Mutant Alleles (ENIGMA)
Classification: Pathogenic for Breast-ovarian cancer, familial, susceptibility to, 1. Last evaluated: 2016-04-22. Review status: reviewed by expert panel. Criteria: ENIGMA BRCA1/2 Classification Criteria (2015). Collection method: curation. Allele origin: germline.
Comment: Variant allele predicted to encode a truncated non-functional protein.

PreventionGenetics, part of Exact Sciences
Classification: Pathogenic for BRCA1-related condition. Last evaluated: 2026-08-26. Review status: criteria provided, single submitter. Criteria: ACMG Guidelines, 2015. Collection method: clinical testing. Allele origin: germline. Not counted in ClinVar's aggregate classification.
Comment: The BRCA1 c.4327C>T variant is predicted to result in premature protein termination (p.Arg1443*). Using alternate nomenclature, this variant is also referred to as c.4446C>T. This variant has been reported in multiple individuals with hereditary breast and ovarian cancer syndrome (Castilla et al. 1994. PubMed ID: 7894491; Zhang et al. 2011. PubMed ID: 21324516; Supplementary Table 1, Rashid et al. 2016. PubMed ID: 27553291; Supplementary Table 1, Susswein et al. 2016. PubMed ID: 26681312; Supplementary Table S3, Sun et al. 2017. PubMed ID: 28724667). This variant has also been described as a founder variant in the French-Canadian population (Castilla et al. 1994. PubMed ID: 7894491; Vézina et al. 2005. PubMed ID: 15883839; Cavallone et al. 2010. PubMed ID: 20694749). This variant is reported in 0.0085% of alleles in individuals of Latino descent in gnomAD and is interpreted as pathogenic in ClinVar (Variation ID: 17675). Nonsense variants in BRCA1 are expected to be pathogenic. This variant is interpreted as pathogenic.

Genetics Laboratory, Great Ormond Street Hospital NHS Foundation Trust, North Thames Genomic Laboratory Hub
Classification: Pathogenic for Inherited breast cancer and ovarian cancer. Last evaluated: 2026-05-08. Review status: criteria provided, single submitter. Criteria: CanVIG BRCA Gene Specific V1.22. Collection method: clinical testing. Allele origin: germline. Affected: yes. Not counted in ClinVar's aggregate classification.
Comment: PS4_strong, PM2_supporting, PVS1_very-strong, PM5_strong, PP4_very-strong

Labcorp Genetics (formerly Invitae), Labcorp
Classification: Pathogenic for Hereditary breast ovarian cancer syndrome. Last evaluated: 2026-02-03. Review status: criteria provided, single submitter. Criteria: Invitae Variant Classification Sherloc (09022015). Collection method: clinical testing. Allele origin: germline. Not counted in ClinVar's aggregate classification.
Comment: This sequence change creates a premature translational stop signal (p.Arg1443*) in the BRCA1 gene. It is expected to result in an absent or disrupted protein product. Loss-of-function variants in BRCA1 are known to be pathogenic (PMID: 20104584). The frequency data for this variant in the population databases is considered unreliable, as metrics indicate poor data quality at this position in the gnomAD database. This premature translational stop signal has been observed in individual(s) with hereditary breast and ovarian cancer (PMID: 16030099, 19656415, 22798144, 23233716). It is commonly reported in individuals of French Canadian ancestry (PMID: 10422801, 11250694, 15883839, 20694749). This variant is also known as 4446C>T. ClinVar contains an entry for this variant (Variation ID: 17675). For these reasons, this variant has been classified as Pathogenic.

Institute of Human Genetics, University of Leipzig Medical Center
Classification: Pathogenic for Breast-ovarian cancer, familial, susceptibility to, 1. Last evaluated: 2026-01-15. Review status: criteria provided, single submitter. Criteria: ACMG Guidelines, 2015. Collection method: clinical testing. Allele origin: maternal. Inheritance: Autosomal dominant inheritance. Affected: yes. Not counted in ClinVar's aggregate classification.
Comment: Criteria applied: PVS1,PM5_STR

Dasa
Classification: Pathogenic. Last evaluated: 2025-11-27. Review status: criteria provided, single submitter. Criteria: DASA Assertion Criteria. Collection method: clinical testing. Allele origin: germline. Not counted in ClinVar's aggregate classification.
Comment: NM_007294.4(BRCA1):c.4327C>T (p.Arg1443Ter) introduces a premature termination codon predicted to result in loss of normal protein function. Loss-of-function is an established mechanism of disease for this gene. This variant has been reported in individuals with related phenotype. The variant is present at low frequency in population datasets. Based on the available data, this variant is classified as pathogenic.

Variantyx, Inc.
Classification: Pathogenic for Breast-ovarian cancer, familial, susceptibility to, 1. Last evaluated: 2025-09-12. Review status: criteria provided, single submitter. Criteria: Variantyx Assertion Criteria 2022. Collection method: clinical testing. Allele origin: germline. Inheritance: Autosomal dominant inheritance. Not counted in ClinVar's aggregate classification.
Comment: This is a nonsense variant in the BRCA1 gene (OMIM: 113705). Pathogenic variants in this gene have been associated with autosomal dominant susceptibility to familial breast-ovarian cancer 1. The alteration introduces a premature termination codon in exon 12 out of 23 and is expected to result in loss of function, which is a known disease mechanism for BRCA1 (PMID: 11157798;20104584) (PVS1). Functional analysis has confirmed truncation upstream of the critical BRCT domain (PMID:18680205). This variant has been reported in >100 individuals with BRCA1-associated cancers and it is an established founder variant in the French-Canadian population (PMID: 9792861, 15883839, 23199084) (PS4), with a 0.0050% maximum allele frequency in non-founder control populations. Based on the current evidence, this variant is classified as pathogenic for autosomal dominant susceptibility to familial breast-ovarian cancer 1.

NHS Central & South Genomic Laboratory Hub
Classification: Pathogenic for Inherited breast cancer and ovarian cancer. Last evaluated: 2025-04-09. Review status: criteria provided, single submitter. Criteria: ACMG Guidelines, 2015. Collection method: clinical testing. Allele origin: germline. Affected: yes. Not counted in ClinVar's aggregate classification.

Center for Genomic Medicine, Rigshospitalet, Copenhagen University Hospital
Classification: Pathogenic. Last evaluated: 2025-03-04. Review status: criteria provided, single submitter. Criteria: ACMG Guidelines, 2015. Collection method: clinical testing. Allele origin: germline. Not counted in ClinVar's aggregate classification.

Institute for Genomic Medicine (IGM) Clinical Laboratory, Nationwide Children's Hospital
Classification: Pathogenic for Hereditary cancer-predisposing syndrome. Last evaluated: 2025-02-07. Review status: criteria provided, single submitter. Criteria: ACMG Guidelines, 2015. Collection method: clinical testing. Allele origin: germline. Not counted in ClinVar's aggregate classification.
Comment: This variant is predicted to result in loss of function through nonsense-mediated decay of the encoded transcript or premature truncation of the encoded protein in a gene in which loss of function is a known mechanism of disease (ACMG/AMP: PVS1; PMIDs:18431737, 20104584, 26515461, 35236825). This variant has been reported at an elevated frequency in affected individuals/in multiple affected individuals in the literature (ACMG/AMP: PS4; PMIDs:16030099, 19656415, 23233716, 10422801, 11250694, 9792861, 11307153, 15883839, 20694749). This variant is absent from or present at an exceedingly low frequency in gnomAD, a large-scale control population database (ACMG/AMP: PM2).